The following is an entry in ClinVar:

ClinVar aggregate classification (germline): Likely pathogenic (1 of 4 stars; one submission).

Allele frequency attached by ClinVar (database versions not stated): gnomAD exomes below 0.00001.
gnomAD v4.1: 1 of 1,613,806 alleles (0.000062%); highest among the groups gnomAD compares: Non-Finnish European, 0.000085%; no homozygotes.

Submission:

Labcorp Genetics (formerly Invitae), Labcorp
Classification: Likely pathogenic. Last evaluated: 2021-06-01. Review status: criteria provided, single submitter. Criteria: Invitae Variant Classification Sherloc (09022015). Collection method: clinical testing. Allele origin: germline.
Comment: In summary, the currently available evidence indicates that the variant is pathogenic, but additional data are needed to prove that conclusively. Therefore, this variant has been classified as Likely Pathogenic. Algorithms developed to predict the effect of sequence changes on RNA splicing suggest that this variant may disrupt the consensus splice site, but this prediction has not been confirmed by published transcriptional studies. This variant has not been reported in the literature in individuals with CDH23-related conditions. This variant is not present in population databases (ExAC no frequency). This sequence change affects an acceptor splice site in intron 36 of the CDH23 gene. It is expected to disrupt RNA splicing. Variants that disrupt the donor or acceptor splice site typically lead to a loss of protein function (PMID: 16199547), and loss-of-function variants in CDH23 are known to be pathogenic (PMID: 11138009, 21940737).

Literature cited by the submitters: PubMed 16199547; PubMed 11138009; PubMed 21940737.

NM_022124.6(CDH23):c.4489-1G>A

Gene: CDH23 (cadherin related 23; plus strand). Cytogenetic location: 10q22.1.
Variant type: single nucleotide variant.
Coding change: c.4489-1G>A on transcript NM_022124.6 (MANE Select); the canonical splice acceptor site of the intron before coding-DNA position 4489, G replaced by A.
Molecular consequence: splice acceptor variant.
Genome position (GRCh38, 1-based): chr10:71,740,821, G>A. VCF-style: chr10-71740821-G-A. GRCh37 (hg19) VCF-style: chr10-73500578-G-A.
Identifiers: ClinVar variation 1493114 (VCV001493114.8), dbSNP rs2132846050, ClinGen allele CA377160275.
Genomic context (GRCh38, chr10:71,740,821, plus strand): 5'-CATATTCCCAATCCTGCCCGCCACGCTTTAGCCCTGACTCCAGTTGCCCTCCTCCTTGCA[G>A]GTTGTGGCTTCTGACCGAGGCACCCCTCCACGGAAGAAGGACCACATCCTGCAGGTGACC-3'